The following is an entry in ClinVar:

NM_004565.3(PEX14):c.80C>T (p.Pro27Leu)

Gene: PEX14 (peroxisomal biogenesis factor 14; plus strand). Cytogenetic location: 1p36.22.
Variant type: single nucleotide variant.
Coding change: c.80C>T on transcript NM_004565.3 (MANE Select); coding-DNA position 80, C replaced by T.
Protein change: p.Pro27Leu; replaces proline 27 with leucine.
Molecular consequence: missense variant.
Genome position (GRCh38, 1-based): chr1:10,495,317, C>T. VCF-style: chr1-10495317-C-T. GRCh37 (hg19) VCF-style: chr1-10555374-C-T.
Other names: short protein forms P27L.
Identifiers: ClinVar variation 1469461 (VCV001469461.8), dbSNP rs1161833863, ClinGen allele CA338683048.
Genomic context (GRCh38, chr1:10,495,317, plus strand): 5'-TCCATTTTTCTCTGCAGCCAAGCTCTACTCCAGGAAGTGAAAATGTGCTGCCTCGAGAGC[C>T]GCTGGTAAGTACCCAAGATATGTGGTATCACTTTCTAGTAATTAAAATGCCACGCGAGTG-3'
Protein context (NP_004556.1, residues 17-37): PGSENVLPRE[Pro27Leu]LIATAVKFLQ

ClinVar aggregate classification (germline): Uncertain significance (1 of 4 stars; one submission).

Conditions:
Peroxisome biogenesis disorder, complementation group K (CGK). Identifiers: MedGen C1866257, MONDO:0800365.

gnomAD v4.1: 3 of 1,612,828 alleles (0.00019%); highest among the groups gnomAD compares: African/African-American, 0.0013%; no homozygotes.

Submission:

Labcorp Genetics (formerly Invitae), Labcorp
Classification: Uncertain significance for Peroxisome biogenesis disorder, complementation group K. Last evaluated: 2022-08-23. Review status: criteria provided, single submitter. Criteria: Invitae Variant Classification Sherloc (09022015). Collection method: clinical testing. Allele origin: germline.
Comment: In summary, the available evidence is currently insufficient to determine the role of this variant in disease. Therefore, it has been classified as a Variant of Uncertain Significance. Algorithms developed to predict the effect of missense changes on protein structure and function are either unavailable or do not agree on the potential impact of this missense change (SIFT: "Tolerated"; PolyPhen-2: "Possibly Damaging"; Align-GVGD: "Class C0"). ClinVar contains an entry for this variant (Variation ID: 1469461). This variant has not been reported in the literature in individuals affected with PEX14-related conditions. This variant is not present in population databases (gnomAD no frequency). This sequence change replaces proline, which is neutral and non-polar, with leucine, which is neutral and non-polar, at codon 27 of the PEX14 protein (p.Pro27Leu).